The following is an entry in ClinVar:

ClinVar aggregate classification (germline): Pathogenic. Review status: reviewed by expert panel (3 of 4 stars). 16 submissions from 15 submitters: Pathogenic (1). 15 of the submissions do not count toward it. Last evaluated 2017-12-08.

Conditions:
Cystic fibrosis (CF). Also called: MUCOVISCIDOSIS. Identifiers: Orphanet 586, MedGen C0010674, MONDO:0009061, OMIM 219700. Disease mechanism: loss of function.
CFTR-related disorder (CFTR-RD). Also called: CFTR-related condition; CFTR-related disorders. Identifiers: MedGen C5924204, MONDO:7770004.
Congenital bilateral aplasia of vas deferens from CFTR mutation (CBAVD). Identifiers: Orphanet 48, MedGen C0403814, MONDO:0010178, OMIM 277180. Disease mechanism: loss of function.
Hereditary pancreatitis (PCTT). Also called: Hereditary chronic pancreatitis; PRSS1-Related Hereditary Pancreatitis. Identifiers: Orphanet 676, MedGen C0238339, MONDO:0008185, OMIM 167800.
Bronchiectasis with or without elevated sweat chloride 1 (BESC1). Also called: Cystic Fibrosis-Like Syndrome. Identifiers: Orphanet 60033, MedGen C2749757, MONDO:0008887, OMIM 211400.

Allele frequency attached by ClinVar (database versions not stated): gnomAD exomes 0.00001; TOPMed below 0.00001; gnomAD 0.00001.
gnomAD v4.1: 10 of 1,603,020 alleles (0.00062%); highest among the groups gnomAD compares: Non-Finnish European, 0.00077%; no homozygotes.

Submissions (16):

CFTR2
Classification: Pathogenic for Cystic fibrosis. Last evaluated: 2017-12-08. Review status: reviewed by expert panel. Criteria: Sosnay PR et al. (Nat Genet 2013). Collection method: research. Allele origin: germline. Affected: yes.

Natera, Inc.
Classification: Pathogenic for CFTR-related disorders. Last evaluated: 2025-09-07. Review status: criteria provided, single submitter. Criteria: Natera Variant Classification Schema (03/2026). Collection method: clinical testing. Allele origin: germline. Not counted in ClinVar's aggregate classification.
Comment: The c.1687T>A variant in CFTR is a missense variant predicted to cause substitution of tyrosine to asparagine at amino acid 563. This variant is rare in the general population with a frequency below the threshold expected for the associated phenotype(s). This variant has been observed in one or more individuals affected with the associated recessive disease, as either homozygous or compound heterozygous with a second variant (PMID: 36437230, 17825628). Given the available evidence, this variant is classified as Pathogenic.

Labcorp Genetics (formerly Invitae), Labcorp
Classification: Pathogenic for Cystic fibrosis. Last evaluated: 2024-06-12. Review status: criteria provided, single submitter. Criteria: Invitae Variant Classification Sherloc (09022015). Collection method: clinical testing. Allele origin: germline. Not counted in ClinVar's aggregate classification.
Comment: This sequence change replaces tyrosine, which is neutral and polar, with asparagine, which is neutral and polar, at codon 563 of the CFTR protein (p.Tyr563Asn). This variant is present in population databases (rs121909006, gnomAD 0.0009%). This missense change has been observed in individual(s) with cystic fibrosis (PMID: 1376017, 2236053, 10923036, 12815607, 15858154, 17825628; Invitae). In at least one individual the data is consistent with being in trans (on the opposite chromosome) from a pathogenic variant. ClinVar contains an entry for this variant (Variation ID: 7114). Advanced modeling of protein sequence and biophysical properties (such as structural, functional, and spatial information, amino acid conservation, physicochemical variation, residue mobility, and thermodynamic stability) performed at Invitae indicates that this missense variant is expected to disrupt CFTR protein function with a positive predictive value of 80%. Experimental studies have shown that this missense change affects CFTR function (PMID: 10764788). For these reasons, this variant has been classified as Pathogenic.

Johns Hopkins Genomics, Johns Hopkins University
Classification: Pathogenic for Cystic fibrosis. Last evaluated: 2024-02-29. Review status: criteria provided, single submitter. Criteria: ACMG Guidelines, 2015. Collection method: clinical testing. Allele origin: germline. Not counted in ClinVar's aggregate classification.
Comment: Disease-causing CFTR variant. See CFTR2 for phenotype information.

Fulgent Genetics
Classification: Pathogenic for Hereditary pancreatitis; Bronchiectasis with or without elevated sweat chloride 1; Cystic fibrosis; Congenital bilateral aplasia of vas deferens from CFTR mutation. Last evaluated: 2024-01-20. Review status: criteria provided, single submitter. Criteria: ACMG Guidelines, 2015. Collection method: clinical testing. Allele origin: germline. Not counted in ClinVar's aggregate classification.

ARUP Laboratories, Molecular Genetics and Genomics, ARUP Laboratories
Classification: Pathogenic for Cystic fibrosis. Last evaluated: 2024-01-04. Review status: criteria provided, single submitter. Criteria: ARUP Molecular Germline Variant Investigation Process 2024. Collection method: clinical testing. Allele origin: germline. Not counted in ClinVar's aggregate classification.
Comment: The CFTR c.1687T>A; p.Tyr563Asn variant (rs121909006) is reported in multiple individuals with cystic fibrosis who have an average sweat chloride of 95mEq/L, and is commonly associated with pancreatic insufficiency (CFTR2 database, Fichou 2008). This variant is also reported in ClinVar (Variation ID: 7114). It is only found on two alleles in the Genome Aggregation Database (v2.1.1), indicating it is not a common polymorphism. Computational analyses predict that this variant is deleterious (REVEL: 0.969). In support of these predictions, functional analysis of the variant protein demonstrated 1.9% of wild type chloride conductance activity (CFTR database, Raraigh 2018). Based on available information, this variant is considered to be pathogenic. References: Link to CFTR2 database: Fichou Y et al. Estimating the age of CFTR mutations predominantly found in Brittany (Western France). J Cyst Fibros. 2008 Mar;7(2):168-73. PMID: 17825628. Raraigh KS et al. Functional Assays Are Essential for Interpretation of Missense Variants Associated with Variable Expressivity. Am J Hum Genet. 2018 Jun 7;102(6):1062-1077. PMID: 29805046.

GeneDx
Classification: Pathogenic. Last evaluated: 2023-12-20. Review status: criteria provided, single submitter. Criteria: GeneDx Variant Classification Process June 2021. Collection method: clinical testing. Allele origin: germline. Affected: yes. Not counted in ClinVar's aggregate classification.
Comment: Published functional studies demonstrate a damaging effect on protein expression and function (PMID: 29805046, 10764788, 30046002); Not observed at significant frequency in large population cohorts (gnomAD); This variant is associated with the following publications: (PMID: 28603918, 30046002, 18361776, 10764788, 25489051, 17825628, 8956039, 1376017, 12815607, 10923036, 15858154, 1376016, 2236053, 34782259, 30888834, 28068001, 29805046)

Baylor Genetics
Classification: Pathogenic for Bronchiectasis with or without elevated sweat chloride 1. Last evaluated: 2023-11-22. Review status: criteria provided, single submitter. Criteria: ACMG Guidelines, 2015. Collection method: clinical testing. Allele origin: unknown. Not counted in ClinVar's aggregate classification.

Mayo Clinic Laboratories, Mayo Clinic
Classification: Pathogenic. Last evaluated: 2023-11-07. Review status: criteria provided, single submitter. Criteria: ACMG Guidelines, 2015. Collection method: clinical testing. Allele origin: germline. Not counted in ClinVar's aggregate classification.
Comment: PP3, PP5, PM2_strong, PS1, PS3

Women's Health and Genetics/Laboratory Corporation of America, LabCorp
Classification: Pathogenic for Cystic fibrosis. Last evaluated: 2022-08-04. Review status: criteria provided, single submitter. Criteria: LabCorp Variant Classification Summary - May 2015. Collection method: clinical testing. Allele origin: germline. Not counted in ClinVar's aggregate classification.
Comment: Variant summary: CFTR c.1687T>A (p.Tyr563Asn) results in a non-conservative amino acid change located in the ABC transporter-like, ATP-binding domain (IPR003439) of the encoded protein sequence. Five of five in-silico tools predict a damaging effect of the variant on protein function. The variant allele was found at a frequency of 8e-06 in 250432 control chromosomes. c.1687T>A has been reported in the literature in multiple individuals affected with Cystic Fibrosis (example, McCague_2019). These data indicate that the variant is very likely to be associated with disease. At least one publication reports experimental evidence evaluating an impact on protein function. The most pronounced variant effect results in <1% of normal CFTR activity in vitro (example, Han_2018). Multiple clinical diagnostic laboratories and an expert panel (CFTR2) have submitted clinical-significance assessments for this variant to ClinVar after 2014 without evidence for independent evaluation. All submitters classified the variant as pathogenic. Based on the evidence outlined above, the variant was classified as pathogenic.

Ambry Genetics
Classification: Pathogenic for Cystic fibrosis. Last evaluated: 2022-06-13. Review status: criteria provided, single submitter. Criteria: Ambry Variant Classification Scheme 2023. Collection method: clinical testing. Allele origin: germline. Not counted in ClinVar's aggregate classification.
Comment: The p.Y563N pathogenic mutation (also known as c.1687T>A), located in coding exon 13 of the CFTR gene, results from a T to A substitution at nucleotide position 1687. The tyrosine at codon 563 is replaced by asparagine, an amino acid with dissimilar properties. This mutation was observed in a pancreatic sufficient individual with cystic fibrosis (CF) who was also heterozygous for a nonsense alteration; however, phase (cis or trans) was not determined (Kerem BS et al. Proc. Natl. Acad. Sci. U.S.A., 1990 Nov;87:8447-51). In another study, this mutation was observed in trans with a nonsense alteration in an individual with CF (Fichou Y et al. J. Cyst. Fibros., 2008 Mar;7:168-73). In vitro expression analysis revealed that the p.Y563N mutation results in decreased levels of mature CFTR protein (Van Oene M et al. J. Biol. Chem., 2000 Jun;275:19577-84). Based on the available evidence, the p.Y563N is classified as a pathogenic mutation.

CFTR-France
Classification: Pathogenic for cystic fibrosis; CFTR-related disorders. Last evaluated: 2018-03-09. Review status: criteria provided, single submitter. Criteria: Claustres M et al. (Hum Mutat 2017). Collection method: curation. Allele origin: germline. Affected: yes. Not counted in ClinVar's aggregate classification.
Comment: the variant causes a phenotype but regarding our data, we can't formally attribute it to CF, CFTR-RD or both

Baylor Genetics
Classification: Pathogenic for Congenital bilateral aplasia of vas deferens from CFTR mutation; Cystic fibrosis. Review status: criteria provided, single submitter. Criteria: ACMG Guidelines, 2015. Collection method: clinical testing. Allele origin: germline. Not counted in ClinVar's aggregate classification.

PreventionGenetics, part of Exact Sciences
Classification: Pathogenic for CFTR-related condition. Last evaluated: 2024-08-22. Review status: no assertion criteria provided. Collection method: clinical testing. Allele origin: germline. Not counted in ClinVar's aggregate classification.
Comment: The CFTR c.1687T>A variant is predicted to result in the amino acid substitution p.Tyr563Asn. This variant has been widely reported to be pathogenic for cystic fibrosis due to significantly decreased levels of mature CFTR protein (see for example, Kerem et al. 1990. PubMed ID: 2236053; Masica et al. 2015. PubMed ID: 25489051; Raraigh et al. 2018. PubMed ID: 29805046). This variant is reported in 0.0018% of alleles in individuals of European (Non-Finnish) descent in gnomAD. All submitters classified the variant as pathogenic in the ClinVar database. This variant is interpreted as pathogenic.

Counsyl
Classification: Pathogenic for Cystic fibrosis. Last evaluated: 2018-01-22. Review status: no assertion criteria provided. Collection method: clinical testing. Allele origin: unknown. Not counted in ClinVar's aggregate classification.

OMIM
Classification: Pathogenic for CYSTIC FIBROSIS. Last evaluated: 1990-11-01. Review status: no assertion criteria provided. Collection method: literature only. Allele origin: germline. Not counted in ClinVar's aggregate classification.

Literature cited by the submitters: PubMed 36437230 (cited by Natera, Inc.); PubMed 17825628 (cited by 3 submitters); PubMed 1376017 (cited by Labcorp Genetics (formerly Invitae), Labcorp); PubMed 2236053 (cited by 3 submitters); PubMed 10923036 (cited by Labcorp Genetics (formerly Invitae), Labcorp); PubMed 12815607 (cited by Labcorp Genetics (formerly Invitae), Labcorp); PubMed 15858154 (cited by Labcorp Genetics (formerly Invitae), Labcorp); PubMed 10764788 (cited by 3 submitters); PubMed 30046002 (cited by Women's Health and Genetics/Laboratory Corporation of America, LabCorp); PubMed 30888834 (cited by Women's Health and Genetics/Laboratory Corporation of America, LabCorp); PubMed 23276700 (cited by Ambry Genetics); PubMed 9150159 (cited by Ambry Genetics).

NM_000492.4(CFTR):c.1687T>A (p.Tyr563Asn)

Gene: CFTR (CF transmembrane conductance regulator; plus strand). Cytogenetic location: 7q31.2.
Variant type: single nucleotide variant.
Coding change: c.1687T>A on transcript NM_000492.4 (MANE Select); coding-DNA position 1687, T replaced by A.
Protein change: p.Tyr563Asn; replaces tyrosine 563 with asparagine.
Molecular consequence: missense variant.
Genome position (GRCh38, 1-based): chr7:117,590,360, T>A. VCF-style: chr7-117590360-T-A. GRCh37 (hg19) VCF-style: chr7-117230414-T-A.
Other names: short protein forms Y563N.
Identifiers: ClinVar variation 7114 (VCV000007114.29), dbSNP rs121909006, ClinGen allele CA325520.
Genomic context (GRCh38, chr7:117,590,360, plus strand): 5'-AGATGACCAGGAAATAGAGAGGAAATGTAATTTAATTTCCATTTTCTTTTTAGAGCAGTA[T>A]ACAAAGATGCTGATTTGTATTTATTAGACTCTCCTTTTGGATACCTAGATGTTTTAACAG-3'
Protein context (NP_000483.3, residues 553-573): RARISLARAV[Tyr563Asn]KDADLYLLDS